The following is an entry in ClinVar:

NM_000232.5(SGCB):c.10G>C (p.Ala4Pro)

Genes: SGCB (sarcoglycan beta; minus strand), LOC129992585 (ATAC-STARR-seq lymphoblastoid silent region 15421; plus strand). Cytogenetic location: 4q12.
Variant type: single nucleotide variant.
Coding change: c.10G>C on transcript NM_000232.5 (MANE Select); coding-DNA position 10, G replaced by C.
Protein change: p.Ala4Pro; replaces alanine 4 with proline.
Molecular consequence: missense variant.
Genome position (GRCh38, 1-based): chr4:52,038,250, C>G on the plus strand (G>C on the coding strand, the complement: SGCB is on the minus strand). VCF-style: chr4-52038250-C-G. GRCh37 (hg19) VCF-style: chr4-52904416-C-G.
Other names: short protein forms A4P.
Identifiers: ClinVar variation 1713904 (VCV001713904.6), dbSNP rs2475237478, ClinGen allele CA356878711.

ClinVar aggregate classification (germline): Uncertain significance (1 of 4 stars; one submission).

Conditions:
Autosomal recessive limb-girdle muscular dystrophy type 2E (LGMDR4). Also called: MUSCULAR DYSTROPHY, LIMB-GIRDLE, AUTOSOMAL RECESSIVE 4. Identifiers: Orphanet 119, MedGen C1858593, MONDO:0011423, OMIM 604286. Disease mechanism: Affects gamma-sarcoglycan and also disrupts the integrity of the entire sarcoglycan complex..

Submission:

Labcorp Genetics (formerly Invitae), Labcorp
Classification: Uncertain significance for Autosomal recessive limb-girdle muscular dystrophy type 2E. Last evaluated: 2024-02-29. Review status: criteria provided, single submitter. Criteria: Invitae Variant Classification Sherloc (09022015). Collection method: clinical testing. Allele origin: germline.
Comment: This sequence change replaces alanine, which is neutral and non-polar, with proline, which is neutral and non-polar, at codon 4 of the SGCB protein (p.Ala4Pro). This variant is not present in population databases (gnomAD no frequency). This variant has not been reported in the literature in individuals affected with SGCB-related conditions. ClinVar contains an entry for this variant (Variation ID: 1713904). Experimental studies and prediction algorithms are not available or were not evaluated, and the functional significance of this variant is currently unknown. In summary, the available evidence is currently insufficient to determine the role of this variant in disease. Therefore, it has been classified as a Variant of Uncertain Significance.